The following is an entry in ClinVar:

ClinVar aggregate classification (germline): Uncertain significance. Review status: criteria provided, multiple submitters, no conflicts (2 of 4 stars). 3 submissions from 3 submitters: Uncertain significance (2). 1 of the submissions does not count toward it. Last evaluated 2025-08-23.

Conditions:
DVL1-related disorder. Also called: DVL1-related condition.
Inborn genetic diseases. Identifiers: MedGen C0950123, MeSH D030342.

Allele frequency attached by ClinVar (database versions not stated): gnomAD 0.00003; ESP Exome Variant Server 0.00008; TOPMed 0.00006; ExAC 0.00007.
gnomAD v4.1: 153 of 1,613,540 alleles (0.0095%); highest among the groups gnomAD compares: Non-Finnish European, 0.012%; no homozygotes.

Submissions (3):

Labcorp Genetics (formerly Invitae), Labcorp
Classification: Uncertain significance. Last evaluated: 2025-08-23. Review status: criteria provided, single submitter. Criteria: Invitae Variant Classification Sherloc (09022015). Collection method: clinical testing. Allele origin: germline.
Comment: This sequence change replaces arginine, which is basic and polar, with histidine, which is basic and polar, at codon 273 of the DVL1 protein (p.Arg273His). This variant is present in population databases (rs375062198, gnomAD 0.01%). This variant has not been reported in the literature in individuals affected with DVL1-related conditions. ClinVar contains an entry for this variant (Variation ID: 2954791). Invitae Evidence Modeling of protein sequence and biophysical properties (such as structural, functional, and spatial information, amino acid conservation, physicochemical variation, residue mobility, and thermodynamic stability) has been performed for this missense variant. However, the output from this modeling did not meet the statistical confidence thresholds required to predict the impact of this variant on DVL1 protein function. In summary, the available evidence is currently insufficient to determine the role of this variant in disease. Therefore, it has been classified as a Variant of Uncertain Significance.

Ambry Genetics
Classification: Uncertain significance for Inborn genetic diseases. Last evaluated: 2023-09-20. Review status: criteria provided, single submitter. Criteria: Ambry Variant Classification Scheme 2023. Collection method: clinical testing. Allele origin: germline.

PreventionGenetics, part of Exact Sciences
Classification: Likely benign for DVL1-related condition. Last evaluated: 2024-03-29. Review status: no assertion criteria provided. Collection method: clinical testing. Allele origin: germline. Not counted in ClinVar's aggregate classification.
Comment: This variant is classified as likely benign based on ACMG/AMP sequence variant interpretation guidelines (Richards et al. 2015 PMID: 25741868, with internal and published modifications).

NM_001330311.2(DVL1):c.818G>A (p.Arg273His)

Gene: DVL1 (dishevelled segment polarity protein 1; minus strand). Cytogenetic location: 1p36.33.
Variant type: single nucleotide variant.
Coding change: c.818G>A on transcript NM_001330311.2 (MANE Select); coding-DNA position 818, G replaced by A.
Protein change: p.Arg273His; replaces arginine 273 with histidine.
Molecular consequence: missense variant.
Genome position (GRCh38, 1-based): chr1:1,340,129, C>T on the plus strand (G>A on the coding strand, the complement: DVL1 is on the minus strand). VCF-style: chr1-1340129-C-T. GRCh37 (hg19) VCF-style: chr1-1275509-C-T.
Other names: c.818G>A (NM_004421.2); c.818G>A, p.Arg273His (NM_004421.3); short protein forms R273H.
Identifiers: ClinVar variation 2954791 (VCV002954791.5), dbSNP rs375062198, ClinGen allele CA520399.